The following is an entry in ClinVar:

NM_006922.4(SCN3A):c.1647C>G (p.Asp549Glu)

Gene: SCN3A (sodium voltage-gated channel alpha subunit 3; minus strand). Cytogenetic location: 2q24.3.
Variant type: single nucleotide variant.
Coding change: c.1647C>G on transcript NM_006922.4 (MANE Select); coding-DNA position 1647, C replaced by G.
Protein change: p.Asp549Glu; replaces aspartic acid 549 with glutamic acid.
Molecular consequence: missense variant.
Genome position (GRCh38, 1-based): chr2:165,146,763, G>C on the plus strand (C>G on the coding strand, the complement: SCN3A is on the minus strand). VCF-style: chr2-165146763-G-C. GRCh37 (hg19) VCF-style: chr2-166003273-G-C.
Other names: c.1647C>G, p.Asp549Glu (NM_001081676.2, NM_001081677.2); short protein forms D549E.
Identifiers: ClinVar variation 944606 (VCV000944606.9), dbSNP rs1688360292, ClinGen allele CA349236288.

ClinVar aggregate classification (germline): Uncertain significance (1 of 4 stars; one submission).

Submission:

Labcorp Genetics (formerly Invitae), Labcorp
Classification: Uncertain significance. Last evaluated: 2019-06-22. Review status: criteria provided, single submitter. Criteria: Invitae Variant Classification Sherloc (09022015). Collection method: clinical testing. Allele origin: germline.
Comment: This sequence change replaces aspartic acid with glutamic acid at codon 549 of the SCN3A protein (p.Asp549Glu). The aspartic acid residue is moderately conserved and there is a small physicochemical difference between aspartic acid and glutamic acid. In summary, this variant is a novel missense change that is not predicted to affect protein function. There is no indication that it causes disease, but the available evidence is currently insufficient to prove that conclusively. Therefore, it has been classified as a Variant of Uncertain Significance. Algorithms developed to predict the effect of missense changes on protein structure and function output the following: (SIFT: "Tolerated"; PolyPhen-2: "Benign"; Align-GVGD: "Class C0"). The glutamic acid amino acid residue is found in multiple mammalian species, suggesting that this missense change does not adversely affect protein function. These predictions have not been confirmed by published functional studies. This variant is not present in population databases (ExAC no frequency) and has not been reported in the literature in individuals with a SCN3A-related disease.